The following is an entry in ClinVar:

NM_033100.4(CDHR1):c.1330G>A (p.Val444Ile)

Gene: CDHR1 (cadherin related family member 1; plus strand). Cytogenetic location: 10q23.1.
Variant type: single nucleotide variant.
Coding change: c.1330G>A on transcript NM_033100.4 (MANE Select); coding-DNA position 1330, G replaced by A.
Protein change: p.Val444Ile; replaces valine 444 with isoleucine.
Molecular consequence: missense variant.
Genome position (GRCh38, 1-based): chr10:84,211,010, G>A. VCF-style: chr10-84211010-G-A. GRCh37 (hg19) VCF-style: chr10-85970766-G-A.
Other names: c.1330G>A, p.Val444Ile (NM_001171971.3); short protein forms V444I.
Identifiers: ClinVar variation 1043315 (VCV001043315.7), dbSNP rs1432855847, ClinGen allele CA377376581.
Genomic context (GRCh38, chr10:84,211,010, plus strand): 5'-CTGCAGCATGAGTGCCTACCCAGACAAGTCCCCATTTTCCCCCCTTCCCAGCTCCTGGCT[G>A]TTGAAGTGAACACCCCAGAGAAGTTCAGTTCCACAGCGGATGTTGTGATCCAGCTCCTGG-3'
Protein context (NP_149091.1, residues 434-454): SKVLTFKLLA[Val444Ile]EVNTPEKFSS

ClinVar aggregate classification (germline): Uncertain significance (1 of 4 stars; one submission).

Allele frequency attached by ClinVar (database versions not stated): TOPMed 0.00004.

Submission:

Labcorp Genetics (formerly Invitae), Labcorp
Classification: Uncertain significance. Last evaluated: 2022-03-10. Review status: criteria provided, single submitter. Criteria: Invitae Variant Classification Sherloc (09022015). Collection method: clinical testing. Allele origin: germline.
Comment: This variant has not been reported in the literature in individuals affected with CDHR1-related conditions. ClinVar contains an entry for this variant (Variation ID: 1043315). Advanced modeling of protein sequence and biophysical properties (such as structural, functional, and spatial information, amino acid conservation, physicochemical variation, residue mobility, and thermodynamic stability) performed at Invitae indicates that this missense variant is not expected to disrupt CDHR1 protein function. In summary, the available evidence is currently insufficient to determine the role of this variant in disease. Therefore, it has been classified as a Variant of Uncertain Significance. This variant is not present in population databases (gnomAD no frequency). This sequence change replaces valine, which is neutral and non-polar, with isoleucine, which is neutral and non-polar, at codon 444 of the CDHR1 protein (p.Val444Ile).